The following is an entry in ClinVar:

ClinVar aggregate classification (germline): Conflicting classifications of pathogenicity. Review status: criteria provided, conflicting classifications (1 of 4 stars). 7 submissions from 7 submitters: Uncertain significance (5); Likely benign (2). Last evaluated 2026-01-19.

Conditions:
Hereditary spastic paraplegia 52 (SPG52). Also called: SPASTIC PARAPLEGIA 52, AUTOSOMAL RECESSIVE; CEREBRAL PALSY, SPASTIC QUADRIPLEGIC, 6. Identifiers: Orphanet 280763, MedGen C3279743, MONDO:0013552, OMIM 614067.
Spastic paraplegia. Identifiers: MedGen C0037772, HP:0001258.
Hereditary spastic paraplegia. Also called: Familial spastic paraparesis. Identifiers: Orphanet 685, MedGen C0037773, MONDO:0019064. Disease mechanism: loss of function.

Allele frequency attached by ClinVar (database versions not stated): 1000 Genomes Project 0.00040; ExAC 0.00044; 1000 Genomes Project 30x 0.00047; gnomAD exomes 0.00062 and 0.00082; ESP Exome Variant Server 0.00069; gnomAD 0.00088 and 0.00095; TOPMed 0.00098.
gnomAD v4.1: 1,320 of 1,614,064 alleles (0.082%); highest among the groups gnomAD compares: Admixed American, 0.23%; 3 homozygotes.

Submissions (7):

Labcorp Genetics (formerly Invitae), Labcorp
Classification: Likely benign for Spastic paraplegia. Last evaluated: 2026-01-19. Review status: criteria provided, single submitter. Criteria: Invitae Variant Classification Sherloc (09022015). Collection method: clinical testing. Allele origin: germline.

Blueprint Genetics
Classification: Uncertain significance. Last evaluated: 2024-10-07. Review status: criteria provided, single submitter. Criteria: ACMG Guidelines, 2015. Collection method: clinical testing. Allele origin: germline.

GeneDx
Classification: Uncertain significance. Last evaluated: 2023-09-23. Review status: criteria provided, single submitter. Criteria: GeneDx Variant Classification Process June 2021. Collection method: clinical testing. Allele origin: germline. Affected: yes.
Comment: In silico analysis supports that this missense variant does not alter protein structure/function; Has not been previously published as pathogenic or benign to our knowledge

Mayo Clinic Laboratories, Mayo Clinic
Classification: Uncertain significance. Last evaluated: 2021-04-15. Review status: criteria provided, single submitter. Criteria: ACMG Guidelines, 2015. Collection method: clinical testing. Allele origin: germline.

Genome Diagnostics Laboratory, The Hospital for Sick Children
Classification: Likely benign for Hereditary spastic paraplegia. Last evaluated: 2020-07-01. Review status: criteria provided, single submitter. Criteria: ACMG Guidelines, 2015. Collection method: clinical testing. Allele origin: germline. Affected: yes.

Baylor Genetics
Classification: Uncertain significance for Hereditary spastic paraplegia 52. Last evaluated: 2018-04-13. Review status: criteria provided, single submitter. Criteria: ACMG Guidelines, 2015. Collection method: clinical testing. Allele origin: paternal. Affected: yes.
Comment: This variant was determined to be of uncertain significance according to ACMG Guidelines, 2015 [PMID:25741868].

Genetic Services Laboratory, University of Chicago
Classification: Uncertain significance. Last evaluated: 2016-12-28. Review status: criteria provided, single submitter. Criteria: ACMG Guidelines, 2015. Collection method: clinical testing. Allele origin: germline. Affected: no.

NM_001128126.3(AP4S1):c.29A>G (p.Lys10Arg)

Gene: AP4S1 (adaptor related protein complex 4 subunit sigma 1; plus strand). Cytogenetic location: 14q12.
Variant type: single nucleotide variant.
Coding change: c.29A>G on transcript NM_001128126.3 (MANE Select); coding-DNA position 29, A replaced by G.
Protein change: p.Lys10Arg; replaces lysine 10 with arginine.
Molecular consequence: missense variant.
Genome position (GRCh38, 1-based): chr14:31,066,225, A>G. VCF-style: chr14-31066225-A-G. GRCh37 (hg19) VCF-style: chr14-31535431-A-G.
Other names: p.Lys10Arg; c.29A>G, p.Lys10Arg (NM_001254726.2, NM_001254727.2, NM_001254728.2 and 2 more transcripts); short protein forms K10R.
Identifiers: ClinVar variation 434248 (VCV000434248.27), dbSNP rs147135554, ClinGen allele CA7144125.